The following is an entry in ClinVar:

ClinVar aggregate classification (germline): Uncertain significance. Review status: criteria provided, multiple submitters, no conflicts (2 of 4 stars). 3 submissions from 3 submitters: Uncertain significance (3). Last evaluated 2025-06-03.

Conditions:
Charcot-Marie-Tooth disease type 2. Also called: Charcot-Marie-Tooth type 2. Identifiers: Orphanet 64746, MedGen C0270914, MONDO:0018993.
Cardiomyopathy (CMYO). Also called: Cardiomyopathies. Identifiers: Orphanet 167848, MedGen C0878544, MONDO:0004994, HP:0001638. Inheritance: Various modes of inheritance.

Allele frequency attached by ClinVar (database versions not stated): gnomAD exomes 0.00001 and 0.00002; ExAC 0.00005.
gnomAD v4.1: 11 of 1,582,746 alleles (0.00069%); highest among the groups gnomAD compares: Non-Finnish European, 0.00077%; no homozygotes.

Submissions (3):

Color Diagnostics, LLC DBA Color Health
Classification: Uncertain significance for Cardiomyopathy. Last evaluated: 2025-06-03. Review status: criteria provided, single submitter. Criteria: ACMG Guidelines, 2015. Collection method: clinical testing. Allele origin: germline.
Comment: This missense variant replaces glutamine with histidine at codon 168 of the LMNA protein. Computational prediction suggests that this variant may not impact protein structure and function. To our knowledge, functional studies have not been reported for this variant. This variant has been reported in an individual affected with sudden cardiac death and left ventricle hypertrophy (PMID: 34045587). This variant has been identified in 3/197810 chromosomes in the general population by the Genome Aggregation Database (gnomAD). The available evidence is insufficient to determine the role of this variant in disease conclusively. Therefore, this variant is classified as a Variant of Uncertain Significance.

Labcorp Genetics (formerly Invitae), Labcorp
Classification: Uncertain significance for Charcot-Marie-Tooth disease type 2. Last evaluated: 2024-07-26. Review status: criteria provided, single submitter. Criteria: Invitae Variant Classification Sherloc (09022015). Collection method: clinical testing. Allele origin: germline.
Comment: This sequence change replaces glutamine, which is neutral and polar, with histidine, which is basic and polar, at codon 168 of the LMNA protein (p.Gln168His). This variant is present in population databases (rs747771347, gnomAD 0.004%). This variant has not been reported in the literature in individuals affected with LMNA-related conditions. ClinVar contains an entry for this variant (Variation ID: 246472). Advanced modeling of protein sequence and biophysical properties (such as structural, functional, and spatial information, amino acid conservation, physicochemical variation, residue mobility, and thermodynamic stability) performed at Invitae indicates that this missense variant is expected to disrupt LMNA protein function with a positive predictive value of 95%. In summary, the available evidence is currently insufficient to determine the role of this variant in disease. Therefore, it has been classified as a Variant of Uncertain Significance.

GeneDx
Classification: Uncertain significance. Last evaluated: 2016-03-16. Review status: criteria provided, single submitter. Criteria: GeneDx Variant Classification (06012015). Collection method: clinical testing. Allele origin: germline. Affected: yes.
Comment: The Q168H variant has not been published as a pathogenic variant, nor has it been reported as a benign variant to our knowledge. It was not observed in approximately 6,500 individuals of European and African American ancestry in the NHLBI Exome Sequencing Project, indicating it is not a common benign variant in these populations. This substitution occurs at a position that is conserved in mammals. The Q168H variant is a semi-conservative amino acid substitution, which may impact secondary protein structure as these residues differ in some properties. However, in silico analysis is inconsistent in its predictions as to whether or not the variant is damaging to the protein structure/function. Therefore, based on the currently available information, it is unclear whether this variant is a pathogenic variant or a rare benign variant.

Literature cited by the submitters: PubMed 34045587 (cited by Color Diagnostics, LLC DBA Color Health).

NM_170707.4(LMNA):c.504G>C (p.Gln168His)

Genes: LMNA (lamin A/C; plus strand), LOC126805877 (MED14-independent group 3 enhancer GRCh37_chr1:156099693-156100892; plus strand). Cytogenetic location: 1q22.
Variant type: single nucleotide variant.
Coding change: c.504G>C on transcript NM_170707.4 (MANE Select); coding-DNA position 504, G replaced by C.
Protein change: p.Gln168His; replaces glutamine 168 with histidine.
Molecular consequence: missense variant.
Genome position (GRCh38, 1-based): chr1:156,130,764, G>C. VCF-style: chr1-156130764-G-C. GRCh37 (hg19) VCF-style: chr1-156100555-G-C.
Other names: c.168G>C, p.Gln56His (NM_001257374.3); c.261G>C, p.Gln87His (NM_001282624.2); c.504G>C, p.Gln168His (NM_001282625.2, NM_001282626.2, NM_005572.4 and 1 more transcripts); short protein forms Q168H, Q87H, Q56H.
Identifiers: ClinVar variation 246472 (VCV000246472.7), dbSNP rs747771347, ClinGen allele CA053619.
Genomic context (GRCh38, chr1:156,130,764, plus strand): 5'-GAGCACTGCTCTCAGTGAGAAGCGCACGCTGGAGGGCGAGCTGCATGATCTGCGGGGCCA[G>C]GTGGCCAAGGTGAGGCCACCCTGCAGGGCCCACCCATGGCCCCACCTAACACATGTACAC-3'
Protein context (NP_733821.1, residues 158-178): LEGELHDLRG[Gln168His]VAKLEAALGE